The following is an entry in ClinVar:

NM_001164508.2(NEB):c.22771C>A (p.Leu7591Ile)

Genes: NEB (nebulin; minus strand), RIF1 (replication timing regulatory factor 1; plus strand). Cytogenetic location: 2q23.3.
Variant type: single nucleotide variant.
Coding change: c.22771C>A on transcript NM_001164508.2 (MANE Select); coding-DNA position 22771, C replaced by A.
Protein change: p.Leu7591Ile; replaces leucine 7591 with isoleucine.
Molecular consequence: missense variant.
Genome position (GRCh38, 1-based): chr2:151,518,347, G>T on the plus strand (C>A on the coding strand, the complement: NEB is on the minus strand). VCF-style: chr2-151518347-G-T. GRCh37 (hg19) VCF-style: chr2-152374861-G-T.
Other names: c.22771C>A, p.Leu7591Ile (NM_001164507.2); c.22876C>A, p.Leu7626Ile (NM_001271208.2); c.17668C>A, p.Leu5890Ile (NM_004543.5); short protein forms L7591I, L7626I, L5890I.
Identifiers: ClinVar variation 1949547 (VCV001949547.2), dbSNP rs369995092, ClinGen allele CA57620600.

ClinVar aggregate classification (germline): Uncertain significance (1 of 4 stars; one submission).

Conditions:
Nemaline myopathy 2 (NEM2). Also called: Nemaline myopathy 2, autosomal recessive. Identifiers: MedGen C1850569, MONDO:0009725, OMIM 256030.

Submission:

Labcorp Genetics (formerly Invitae), Labcorp
Classification: Uncertain significance for Nemaline myopathy 2. Last evaluated: 2022-05-26. Review status: criteria provided, single submitter. Criteria: Invitae Variant Classification Sherloc (09022015). Collection method: clinical testing. Allele origin: germline.
Comment: This sequence change replaces leucine, which is neutral and non-polar, with isoleucine, which is neutral and non-polar, at codon 7626 of the NEB protein (p.Leu7626Ile). This variant is not present in population databases (gnomAD no frequency). This variant has not been reported in the literature in individuals affected with NEB-related conditions. Algorithms developed to predict the effect of missense changes on protein structure and function are either unavailable or do not agree on the potential impact of this missense change (SIFT: "Tolerated"; PolyPhen-2: "Not Available"; Align-GVGD: "Class C0"). In summary, the available evidence is currently insufficient to determine the role of this variant in disease. Therefore, it has been classified as a Variant of Uncertain Significance.